The following is an entry in ClinVar:

ClinVar aggregate classification (germline): Conflicting classifications of pathogenicity. Review status: criteria provided, conflicting classifications (1 of 4 stars). 9 submissions from 9 submitters: Uncertain significance (1); Benign (3); Likely benign (2). 3 of the submissions do not count toward it. Last evaluated 2026-09-01.

Conditions:
Cystinuria (CSNU). Also called: CYSTINURIA, TYPE I; CYSTINURIA, TYPE II; CYSTINURIA, TYPE III; Cystinuria, non-type I. Identifiers: Orphanet 214, MedGen C0010691, MONDO:0009067, OMIM 220100, HP:0003131.

Allele frequency attached by ClinVar (database versions not stated): 1000 Genomes Project 0.00060; 1000 Genomes Project 30x 0.00062; ESP Exome Variant Server 0.00208; TOPMed 0.00233; gnomAD 0.00250 and 0.00260; gnomAD exomes 0.00256; ExAC 0.00279.
gnomAD v4.1: 5,281 of 1,614,254 alleles (0.33%); highest among the groups gnomAD compares: Non-Finnish European, 0.39%; 12 homozygotes.

Submissions (9):

CeGaT Center for Human Genetics Tuebingen
Classification: Likely benign. Last evaluated: 2026-09-01. Review status: criteria provided, single submitter. Criteria: CeGaT Center For Human Genetics Tuebingen Variant Classification Criteria Version 2. Collection method: clinical testing. Allele origin: germline. Affected: yes. Observed: 11 variant alleles.
Comment: SLC3A1: BP4, BP7

Women's Health and Genetics/Laboratory Corporation of America, LabCorp
Classification: Benign. Last evaluated: 2026-03-02. Review status: criteria provided, single submitter. Criteria: LabCorp Variant Classification Summary - May 2015. Collection method: clinical testing. Allele origin: germline.

Labcorp Genetics (formerly Invitae), Labcorp
Classification: Benign for Cystinuria. Last evaluated: 2026-01-28. Review status: criteria provided, single submitter. Criteria: Invitae Variant Classification Sherloc (09022015). Collection method: clinical testing. Allele origin: germline.

Mayo Clinic Laboratories, Mayo Clinic
Classification: Likely benign. Last evaluated: 2025-08-05. Review status: criteria provided, single submitter. Criteria: ACMG Guidelines, 2015. Collection method: clinical testing. Allele origin: germline. Observed: 2 variant alleles.
Comment: BP4, BP7

ARUP Laboratories, Molecular Genetics and Genomics, ARUP Laboratories
Classification: Benign for Cystinuria. Last evaluated: 2023-11-09. Review status: criteria provided, single submitter. Criteria: ARUP Molecular Germline Variant Investigation Process 2024. Collection method: clinical testing. Allele origin: germline.

Illumina Laboratory Services, Illumina
Classification: Uncertain significance for Cystinuria. Last evaluated: 2017-04-27. Review status: criteria provided, single submitter. Criteria: ICSL Variant Classification Criteria 13 December 2019. Collection method: clinical testing. Allele origin: germline.
Comment: This variant was observed as part of a predisposition screen in an ostensibly healthy population. A literature search was performed for the gene, cDNA change, and amino acid change (where applicable). Publications were found based on this search. However, the evidence from the literature, in combination with allele frequency data from public databases where available, was not sufficient to rule this variant in or out of causing disease. Therefore, this variant is classified as a variant of unknown significance.

Clinical Genetics DNA and cytogenetics Diagnostics Lab, Erasmus MC, Erasmus Medical Center
Classification: Likely benign. Review status: no assertion criteria provided. Collection method: clinical testing. Allele origin: germline. Affected: yes. Study: VKGL Data-share Consensus. Not counted in ClinVar's aggregate classification.

Genome Diagnostics Laboratory, University Medical Center Utrecht
Classification: Likely benign. Review status: no assertion criteria provided. Collection method: clinical testing. Allele origin: germline. Affected: yes. Study: VKGL Data-share Consensus. Not counted in ClinVar's aggregate classification.

Joint Genome Diagnostic Labs from Nijmegen and Maastricht, Radboudumc and MUMC+
Classification: Likely benign. Review status: no assertion criteria provided. Collection method: clinical testing. Allele origin: germline. Affected: yes. Study: VKGL Data-share Consensus. Not counted in ClinVar's aggregate classification.

Literature cited by the submitters: PubMed 15691362 (cited by Illumina Laboratory Services, Illumina); PubMed 11748844 (cited by Illumina Laboratory Services, Illumina); PubMed 7573036 (cited by Illumina Laboratory Services, Illumina).

NM_000341.4(SLC3A1):c.231T>A (p.Ser77=)

Gene: SLC3A1 (solute carrier family 3 member 1; plus strand). Cytogenetic location: 2p21.
Variant type: single nucleotide variant.
Coding change: c.231T>A on transcript NM_000341.4 (MANE Select); coding-DNA position 231, T replaced by A.
Protein change: p.Ser77=; no amino-acid change (serine 77 retained).
Molecular consequence: synonymous variant.
Genome position (GRCh38, 1-based): chr2:44,275,766, T>A. VCF-style: chr2-44275766-T-A. GRCh37 (hg19) VCF-style: chr2-44502905-T-A.
Other names: p.Ser77=.
Identifiers: ClinVar variation 526034 (VCV000526034.53), dbSNP rs146630359, ClinGen allele CA1640055.
Genomic context (GRCh38, chr2:44,275,766, plus strand): 5'-CGACTTCAAGGGCGTCCAGCCCTATGCGGGGATGCCCAAGGAGGTGCTGTTCCAGTTCTC[T>A]GGCCAGGCCCGCTACCGCATACCTCGGGAGATCCTCTTCTGGCTCACAGTGGCTTCTGTG-3'
Protein context (NP_000332.2, residues 67-87): GMPKEVLFQF[Ser77=]GQARYRIPRE